The following is an entry in ClinVar:

NM_001845.6(COL4A1):c.1461A>G (p.Glu487=)

Gene: COL4A1 (collagen type IV alpha 1 chain; minus strand). Cytogenetic location: 13q34.
Variant type: single nucleotide variant.
Coding change: c.1461A>G on transcript NM_001845.6 (MANE Select); coding-DNA position 1461, A replaced by G.
Protein change: p.Glu487=; no amino-acid change (glutamic acid 487 retained).
Molecular consequence: synonymous variant.
Genome position (GRCh38, 1-based): chr13:110,192,834, T>C on the plus strand (A>G on the coding strand, the complement: COL4A1 is on the minus strand). VCF-style: chr13-110192834-T-C. GRCh37 (hg19) VCF-style: chr13-110845181-T-C.
Other names: c.1461A>G, p.Glu487= (NM_001303110.2).
Identifiers: ClinVar variation 1606433 (VCV001606433.17), dbSNP rs1878700909, ClinGen allele CA484790640.

ClinVar aggregate classification (germline): Likely benign. Review status: criteria provided, multiple submitters, no conflicts (2 of 4 stars). 3 submissions from 3 submitters: Likely benign (3). Last evaluated 2025-10-26.

Conditions:
Hemorrhage, intracerebral, susceptibility to (ICH). Also called: Stroke, hemorrhagic, susceptibility to. Identifiers: MedGen C3281105, MONDO:0100533, OMIM 614519.
Retinal arterial tortuosity. Also called: RETINAL HEMORRHAGE WITH VASCULAR TORTUOSITY; Retinal arteries, tortuosity of. Identifiers: Orphanet 75326, MedGen C0423401, MONDO:0008373, OMIM 180000, HP:0000631.
Autosomal dominant familial hematuria-retinal arteriolar tortuosity-contractures syndrome. Also called: Angiopathy, hereditary, with nephropathy, aneurysms, and muscle cramps; Hereditary Angiopathy with Nephropathy, Aneurysms, and Muscle Cramps (HANAC) Syndrome. Identifiers: Orphanet 73229, MedGen C2673195, MONDO:0012726, OMIM 611773.
Brain small vessel disease 1 with or without ocular anomalies (BSVD1). Also called: PORENCEPHALY, TYPE 1, AUTOSOMAL DOMINANT; GOULD SYNDROME 1; Brain small vessel disease with or without ocular anomalies; BRAIN SMALL VESSEL DISEASE WITH HEMORRHAGE. Identifiers: Orphanet 2940, Orphanet 36383, Orphanet 99810, MedGen C4755307, MONDO:0008289, OMIM 175780.
Microangiopathy and leukoencephalopathy, pontine, autosomal dominant. Also called: Pontine autosomal dominant microangiopathy with leukoencephalopathy; DEMENTIA, HEREDITARY MULTI-INFARCT, SWEDISH TYPE. Identifiers: Orphanet 477749, MedGen C5231411, MONDO:0032814, OMIM 618564.

Allele frequency attached by ClinVar (database versions not stated): gnomAD 0.00001; gnomAD exomes 0.00001; TOPMed 0.00001.
gnomAD v4.1: 5 of 1,613,732 alleles (0.00031%); highest among the groups gnomAD compares: Admixed American, 0.0033%; no homozygotes.

Submissions (3):

Labcorp Genetics (formerly Invitae), Labcorp
Classification: Likely benign. Last evaluated: 2025-10-26. Review status: criteria provided, single submitter. Criteria: Invitae Variant Classification Sherloc (09022015). Collection method: clinical testing. Allele origin: germline.

CeGaT Center for Human Genetics Tuebingen
Classification: Likely benign. Last evaluated: 2025-08-01. Review status: criteria provided, single submitter. Criteria: CeGaT Center For Human Genetics Tuebingen Variant Classification Criteria Version 2. Collection method: clinical testing. Allele origin: germline. Affected: yes. Observed: 1 variant allele.
Comment: COL4A1: BP4, BP7

Fulgent Genetics
Classification: Likely benign for Brain small vessel disease 1 with or without ocular anomalies; Retinal arterial tortuosity; Autosomal dominant familial hematuria-retinal arteriolar tortuosity-contractures syndrome; Hemorrhage, intracerebral, susceptibility to; Microangiopathy and leukoencephalopathy, pontine, autosomal dominant. Last evaluated: 2022-01-25. Review status: criteria provided, single submitter. Criteria: ACMG Guidelines, 2015. Collection method: clinical testing. Allele origin: unknown.